The following is an entry in ClinVar:

ClinVar aggregate classification (germline): Uncertain significance (1 of 4 stars; one submission).

Conditions:
Inborn genetic diseases. Identifiers: MedGen C0950123, MeSH D030342.

Allele frequency attached by ClinVar (database versions not stated): gnomAD exomes below 0.00001; ExAC 0.00001; gnomAD 0.00001; TOPMed 0.00001; 1000 Genomes Project 30x 0.00016; 1000 Genomes Project 0.00020.
gnomAD v4.1: 5 of 1,597,502 alleles (0.00031%); highest among the groups gnomAD compares: Admixed American, 0.0067%; no homozygotes.

Submission:

Ambry Genetics
Classification: Uncertain significance for Inborn genetic diseases. Last evaluated: 2019-11-12. Review status: criteria provided, single submitter. Criteria: Ambry Variant Classification Scheme 2023. Collection method: clinical testing. Allele origin: germline.
Comment: The c.778-3T>A intronic variant results from a T to A substitution 3 nucleotides upstream from coding exon 7 in the DST gene. This nucleotide position is not well conserved in available vertebrate species. In silico splice site analysis predicts that this alteration may result in the creation or strengthening of a novel splice acceptor site. Since supporting evidence is limited at this time, the clinical significance of this alteration remains unclear.

NM_001374736.1(DST):c.877-3T>A

Gene: DST (dystonin; minus strand). Cytogenetic location: 6p12.1.
Variant type: single nucleotide variant.
Coding change: c.877-3T>A on transcript NM_001374736.1 (MANE Select); 3 bases into the intron before coding-DNA position 877, T replaced by A.
Molecular consequence: intron variant.
Genome position (GRCh38, 1-based): chr6:56,701,968, A>T on the plus strand (T>A on the coding strand, the complement: DST is on the minus strand). VCF-style: chr6-56701968-A-T. GRCh37 (hg19) VCF-style: chr6-56566766-A-T.
Other names: c.778-3T>A (NM_001144769.5); c.877-3T>A (NM_001374722.1); c.904-3T>A (NM_001374734.1); c.364-3T>A (NM_001144770.2); c.244-3T>A (NM_001374730.1, NM_001386100.1, NM_183380.4 and 1 more transcripts).
Identifiers: ClinVar variation 1760612 (VCV001760612.2), dbSNP rs554669477, ClinGen allele CA3871837.
Genomic context (GRCh38, chr6:56,701,968, plus strand): 5'-CAAGTGCAATTTGTACATTCTGTAGTCTGTGAAAACGCATCCGACCTTTTTCTCTGGGCT[A>T]AGAACAGAAAAATGCAGGTATGAAAAAGAGTTTCTGTTATCACAGACCATGCTAATTTAA-3'